The following is an entry in ClinVar:

NM_182914.3(SYNE2):c.13526G>A (p.Arg4509His)

Gene: SYNE2 (spectrin repeat containing nuclear envelope protein 2; plus strand). Cytogenetic location: 14q23.2.
Variant type: single nucleotide variant.
Coding change: c.13526G>A on transcript NM_182914.3 (MANE Select); coding-DNA position 13526, G replaced by A.
Protein change: p.Arg4509His; replaces arginine 4509 with histidine.
Molecular consequence: missense variant.
Genome position (GRCh38, 1-based): chr14:64,125,182, G>A. VCF-style: chr14-64125182-G-A. GRCh37 (hg19) VCF-style: chr14-64591900-G-A.
Other names: c.13526G>A, p.Arg4509His (NM_015180.6); short protein forms R4509H.
Identifiers: ClinVar variation 313588 (VCV000313588.14), dbSNP rs200946949, ClinGen allele CA7222473.
Genomic context (GRCh38, chr14:64,125,182, plus strand): 5'-ACTTTAGATACCCAACAACTGAAGAACTGAAAACCTATACCACCCAACTTGAAGACCTGC[G>A]CCAAGAAGCAAGTAACCTTCAGACACAGGTAGAAGCTGCACACAATGTGTTTTCCTCATT-3'
Protein context (NP_878918.2, residues 4499-4519): KTYTTQLEDL[Arg4509His]QEASNLQTQE

ClinVar aggregate classification (germline): Conflicting classifications of pathogenicity. Review status: criteria provided, conflicting classifications (1 of 4 stars). 3 submissions from 3 submitters: Uncertain significance (1); Benign (1); Likely benign (1). Last evaluated 2025-03-20.

Conditions:
Emery-Dreifuss muscular dystrophy 5, autosomal dominant (EDMD5). Also called: EMERY-DREIFUSS MUSCULAR DYSTROPHY 5. Identifiers: Orphanet 261, MedGen C2751805, MONDO:0013072, OMIM 612999.

Allele frequency attached by ClinVar (database versions not stated): TOPMed 0.00002; 1000 Genomes Project 30x 0.00016; 1000 Genomes Project 0.00020.
gnomAD v4.1: 232 of 1,614,032 alleles (0.014%); highest among the groups gnomAD compares: East Asian, 0.45%; no homozygotes.

Submissions (3):

Labcorp Genetics (formerly Invitae), Labcorp
Classification: Uncertain significance for Emery-Dreifuss muscular dystrophy 5, autosomal dominant. Last evaluated: 2025-03-20. Review status: criteria provided, single submitter. Criteria: Invitae Variant Classification Sherloc (09022015). Collection method: clinical testing. Allele origin: germline.
Comment: This sequence change replaces arginine, which is basic and polar, with histidine, which is basic and polar, at codon 4509 of the SYNE2 protein (p.Arg4509His). The frequency data for this variant in the population databases is considered unreliable, as metrics indicate poor data quality at this position in the gnomAD database. This variant has not been reported in the literature in individuals affected with SYNE2-related conditions. ClinVar contains an entry for this variant (Variation ID: 313588). An algorithm developed to predict the effect of missense changes on protein structure and function outputs the following: PolyPhen-2: "Benign". The histidine amino acid residue is found in multiple mammalian species, which suggests that this missense change does not adversely affect protein function. In summary, the available evidence is currently insufficient to determine the role of this variant in disease. Therefore, it has been classified as a Variant of Uncertain Significance.

Athena Diagnostics
Classification: Likely benign. Last evaluated: 2023-12-29. Review status: criteria provided, single submitter. Criteria: Athena Diagnostics Criteria. Collection method: clinical testing. Allele origin: unknown.

Illumina Laboratory Services, Illumina
Classification: Benign for Emery-Dreifuss muscular dystrophy 5, autosomal dominant. Last evaluated: 2018-01-13. Review status: criteria provided, single submitter. Criteria: ICSL Variant Classification Criteria 13 December 2019. Collection method: clinical testing. Allele origin: germline.
Comment: This variant was observed in the ICSL laboratory as part of a predisposition screen in an ostensibly healthy population. It had not been previously curated by ICSL or reported in the Human Gene Mutation Database (HGMD: prior to June 1st, 2018), and was therefore a candidate for classification through an automated scoring system. Utilizing variant allele frequency, disease prevalence and penetrance estimates, and inheritance mode, an automated score was calculated to assess if this variant is too frequent to cause the disease. Based on the score and internal cut-off values, a variant classified as benign is not then subjected to further curation. The score for this variant resulted in a classification of benign for this disease.